The following is an entry in ClinVar:

ClinVar aggregate classification (germline): Pathogenic (1 of 4 stars; one submission).

Submission:

Labcorp Genetics (formerly Invitae), Labcorp
Classification: Pathogenic. Last evaluated: 2025-10-27. Review status: criteria provided, single submitter. Criteria: Invitae Variant Classification Sherloc (09022015). Collection method: clinical testing. Allele origin: germline.
Comment: This sequence change creates a premature translational stop signal (p.Trp131Glyfs*12) in the SMARCB1 gene. It is expected to result in an absent or disrupted protein product. Loss-of-function variants in SMARCB1 are known to be pathogenic (PMID: 10521299, 21208904). This variant is not present in population databases (gnomAD no frequency). This variant has not been reported in the literature in individuals affected with SMARCB1-related conditions. For these reasons, this variant has been classified as Pathogenic.

Literature cited by the submitters: PubMed 10521299; PubMed 21208904.

NM_003073.5(SMARCB1):c.391del (p.Trp131fs)

Gene: SMARCB1 (SWI/SNF related BAF chromatin remodeling complex subunit B1; plus strand). Cytogenetic location: 22q11.23.
Variant type: Deletion.
Coding change: c.391del on transcript NM_003073.5 (MANE Select); coding-DNA position 391, one base deleted (T; older notation c.391delT).
Protein change: p.Trp131fs; shifts the reading frame from tryptophan 131.
Molecular consequence: frameshift variant.
Genome position (GRCh38, 1-based): chr22:23,800,972, T deleted. VCF-style (leftmost placement, unchanged base first): chr22-23800971-GT-G. GRCh37 (hg19) VCF-style: chr22-24143158-GT-G.
Other names: c.364del, p.Trp122fs (NM_001007468.3, NM_001317946.2); c.391del, p.Trp131fs (NM_001362877.2); short protein forms W122fs, W131fs.
Identifiers: ClinVar variation 4729997 (VCV004729997.1).